The following is an entry in ClinVar:

ClinVar aggregate classification (germline): Pathogenic. Review status: criteria provided, multiple submitters, no conflicts (2 of 4 stars). 2 submissions from 2 submitters: Pathogenic (2). Last evaluated 2026-06-30.

Conditions:
Hereditary cancer-predisposing syndrome. Also called: Tumor predisposition; Neoplastic Syndromes, Hereditary; Hereditary neoplastic syndrome; Hereditary Cancer Syndrome. Identifiers: Orphanet 140162, MedGen C0027672, MeSH D009386, MONDO:0015356.

Submissions (2):

Ambry Genetics
Classification: Pathogenic for Hereditary cancer-predisposing syndrome. Last evaluated: 2026-06-30. Review status: criteria provided, single submitter. Criteria: Ambry Variant Classification Scheme 2023. Collection method: clinical testing. Allele origin: germline.
Comment: The c.277_279delTTTinsCC pathogenic mutation, located in coding exon 4 of the BRCA1 gene, results from the deletion of 3 nucleotides and insertion of two nucleotides causing a translational frameshift with a predicted alternate stop codon (p.F93Pfs*26). This variant is considered to be rare based on population cohorts in the Genome Aggregation Database (gnomAD). This alteration is expected to result in loss of function by premature protein truncation or nonsense-mediated mRNA decay. As such, this alteration is interpreted as a disease-causing mutation.

Color Diagnostics, LLC DBA Color Health
Classification: Pathogenic for Hereditary cancer-predisposing syndrome. Last evaluated: 2021-03-31. Review status: criteria provided, single submitter. Criteria: ACMG Guidelines, 2015. Collection method: clinical testing. Allele origin: germline.
Comment: This variant alters three nucleotides in exon 5 in the BRCA1 gene, creating a frameshift and premature translation stop signal. This variant is expected to result in an absent or non-functional protein product. To our knowledge, functional studies have not been reported for this variant. This variant has been observed in an individual affected with triple-negative breast cancer (PMID: 28977883) and an individual affected with breast and ovarian cancer and lymphoma (PMID: 25483746). This variant has not been identified in the general population by the Genome Aggregation Database (gnomAD). Loss of BRCA1 function is a known mechanism of disease. Based on the available evidence, this variant is classified as Pathogenic.

NM_007294.4(BRCA1):c.277_279delinsCC (p.Phe93fs)

Gene: BRCA1 (BRCA1 DNA repair associated; minus strand). Cytogenetic location: 17q21.31.
Variant type: Indel.
Coding change: c.277_279delinsCC on transcript NM_007294.4 (MANE Select); coding-DNA positions 277 to 279, TTT replaced by CC.
Protein change: p.Phe93fs; shifts the reading frame from phenylalanine 93.
Molecular consequence: frameshift variant. On other transcripts: non-coding transcript variant (1).
Genome position (GRCh38, 1-based): chr17:43,104,890-43,104,892, AAA replaced by GG on the plus strand (TTT replaced by CC on the coding strand, the reverse complement: BRCA1 is on the minus strand). VCF-style: chr17-43104890-AAA-GG. GRCh37 (hg19) VCF-style: chr17-41256907-AAA-GG.
Other names: c.67_69delTTTinsCC, p.Phe23Profs (NM_001407571.1, NM_001407853.1, NM_001407879.1 and 58 more transcripts); c.277_279delTTTinsCC, p.Phe93Profs (NM_001407581.1, NM_001407582.1, NM_001407583.1 and 166 more transcripts); c.199_201delTTTinsCC, p.Phe67Profs (NM_001407653.1, NM_001407654.1, NM_001407655.1 and 21 more transcripts); c.136_138delTTTinsCC, p.Phe46Profs (NM_001407692.1, NM_001407694.1, NM_001407695.1 and 98 more transcripts); c.-105_-103delTTTinsCC (NM_001407959.1, NM_001407960.1, NM_001407962.1 and 4 more transcripts); c.145_147delTTTinsCC, p.Phe49Profs (NM_001408451.1); c.136_138delinsCC, p.Phe46fs (NM_007297.4); c.277_279delinsCC, p.Phe93fs (NM_007299.4, NM_007300.4); short protein forms F46fs, F93fs.
Identifiers: ClinVar variation 918604 (VCV000918604.6), dbSNP rs2054677202, ClinGen allele CA913188829.
Genomic context (GRCh38, chr17:43,104,890, plus strand): 5'-AGCACTTGAGTGTCATTCTTGGGATATTCAACACTTACACTCCAAACCTGTGTCAAGCTG[AAA>GG]AGCACAAATGATTTTCAATAGCTCTTCAACAAGTTGACTAAATCTCGTACTTTCTTGTAG-3'